The following is an entry in ClinVar:

NM_002168.4(IDH2):c.679-7C>G

Gene: IDH2 (isocitrate dehydrogenase (NADP(+)) 2; minus strand). Cytogenetic location: 15q26.1.
Variant type: single nucleotide variant.
Coding change: c.679-7C>G on transcript NM_002168.4 (MANE Select); 7 bases into the intron before coding-DNA position 679, C replaced by G.
Molecular consequence: intron variant.
Genome position (GRCh38, 1-based): chr15:90,087,582, G>C on the plus strand (C>G on the coding strand, the complement: IDH2 is on the minus strand). VCF-style: chr15-90087582-G-C. GRCh37 (hg19) VCF-style: chr15-90630814-G-C.
Other names: c.289-7C>G (NM_001290114.2); c.523-7C>G (NM_001289910.1).
Identifiers: ClinVar variation 2570909 (VCV002570909.29), dbSNP rs752232116, ClinGen allele CA7733087.
Genomic context (GRCh38, chr15:90,087,582, plus strand): 5'-CCATTTCTTCTGGATGGCATACTGGAAGCAGCTGTGCGCAAAACCTGAGATGGACTGCAG[G>C]GGGAGAGACAGGGCCCTGGCGTGGTGCCCTAGCCTGGCGATTGCCGGCAACCTCCCACCT-3'

ClinVar aggregate classification (germline): Likely benign. Review status: criteria provided, multiple submitters, no conflicts (2 of 4 stars). 2 submissions from 2 submitters: Likely benign (2). Last evaluated 2025-06-04.

Conditions:
D-2-hydroxyglutaric aciduria 2 (D2HGA2). Identifiers: Orphanet 79315, MedGen C3150909, MONDO:0013345, OMIM 613657.

Allele frequency attached by ClinVar (database versions not stated): gnomAD 0.00002; ExAC 0.00003.
gnomAD v4.1: 42 of 1,612,798 alleles (0.0026%); highest among the groups gnomAD compares: South Asian, 0.0066%; no homozygotes.

Submissions (2):

Labcorp Genetics (formerly Invitae), Labcorp
Classification: Likely benign for D-2-hydroxyglutaric aciduria 2. Last evaluated: 2025-06-04. Review status: criteria provided, single submitter. Criteria: Invitae Variant Classification Sherloc (09022015). Collection method: clinical testing. Allele origin: germline.

CeGaT Center for Human Genetics Tuebingen
Classification: Likely benign. Last evaluated: 2024-11-01. Review status: criteria provided, single submitter. Criteria: CeGaT Center For Human Genetics Tuebingen Variant Classification Criteria Version 2. Collection method: clinical testing. Allele origin: germline. Affected: yes. Observed: 2 variant alleles.
Comment: IDH2: BP4